The following is an entry in ClinVar:

NM_016213.5(TRIP4):c.1723A>G (p.Met575Val)

Gene: TRIP4 (thyroid hormone receptor interactor 4; plus strand). Cytogenetic location: 15q22.31.
Variant type: single nucleotide variant.
Coding change: c.1723A>G on transcript NM_016213.5 (MANE Select); coding-DNA position 1723, A replaced by G.
Protein change: p.Met575Val; replaces methionine 575 with valine.
Molecular consequence: missense variant. On other transcripts: non-coding transcript variant (1).
Genome position (GRCh38, 1-based): chr15:64,455,041, A>G. VCF-style: chr15-64455041-A-G. GRCh37 (hg19) VCF-style: chr15-64747240-A-G.
Other names: c.1033A>G, p.Met345Val (NM_001321924.2); c.1723A>G (NM_016213.4); short protein forms M575V, M345V.
Identifiers: ClinVar variation 1432793 (VCV001432793.7), dbSNP rs367809794, ClinGen allele CA7609778.

ClinVar aggregate classification (germline): Uncertain significance. Review status: criteria provided, multiple submitters, no conflicts (2 of 4 stars). 2 submissions from 2 submitters: Uncertain significance (2). Last evaluated 2025-06-25.

Conditions:
Inborn genetic diseases. Identifiers: MedGen C0950123, MeSH D030342.

Allele frequency attached by ClinVar (database versions not stated): gnomAD exomes 0.00005 and 0.00014; ESP Exome Variant Server 0.00008; ExAC 0.00009; 1000 Genomes Project 30x 0.00016; 1000 Genomes Project 0.00020; gnomAD 0.00033 and 0.00035; TOPMed 0.00043.
gnomAD v4.1: 131 of 1,614,104 alleles (0.0081%); highest among the groups gnomAD compares: Admixed American, 0.13%; no homozygotes.

Submissions (2):

Ambry Genetics
Classification: Uncertain significance for Inborn genetic diseases. Last evaluated: 2025-06-25. Review status: criteria provided, single submitter. Criteria: Ambry Variant Classification Scheme 2023. Collection method: clinical testing. Allele origin: germline.

Labcorp Genetics (formerly Invitae), Labcorp
Classification: Uncertain significance. Last evaluated: 2022-02-18. Review status: criteria provided, single submitter. Criteria: Invitae Variant Classification Sherloc (09022015). Collection method: clinical testing. Allele origin: germline.
Comment: This sequence change replaces methionine, which is neutral and non-polar, with valine, which is neutral and non-polar, at codon 575 of the TRIP4 protein (p.Met575Val). This variant is present in population databases (rs367809794, gnomAD 0.08%). This variant has not been reported in the literature in individuals affected with TRIP4-related conditions. Algorithms developed to predict the effect of missense changes on protein structure and function (SIFT, PolyPhen-2, Align-GVGD) all suggest that this variant is likely to be tolerated. In summary, the available evidence is currently insufficient to determine the role of this variant in disease. Therefore, it has been classified as a Variant of Uncertain Significance.